The following is an entry in ClinVar:

ClinVar aggregate classification (germline): Uncertain significance. Review status: criteria provided, multiple submitters, no conflicts (2 of 4 stars). 2 submissions from 2 submitters: Uncertain significance (2). Last evaluated 2025-05-23.

Conditions:
PCNT-related disorder. Also called: PCNT-related condition.
Inborn genetic diseases. Identifiers: MedGen C0950123, MeSH D030342.

gnomAD v4.1: 27 of 1,612,246 alleles (0.0017%); highest among the groups gnomAD compares: South Asian, 0.029%; no homozygotes.

Submissions (2):

PreventionGenetics, part of Exact Sciences
Classification: Uncertain significance for PCNT-related condition. Last evaluated: 2025-05-23. Review status: criteria provided, single submitter. Criteria: ACMG Guidelines, 2015. Collection method: clinical testing. Allele origin: germline.
Comment: The PCNT c.3551G>A variant is predicted to result in the amino acid substitution p.Gly1184Glu. To our knowledge, this variant has not been reported in the literature. This variant is reported in 0.026% of alleles in individuals of South Asian descent in gnomAD. At this time, the clinical significance of this variant is uncertain due to the absence of conclusive functional and genetic evidence.

Ambry Genetics
Classification: Uncertain significance for Inborn genetic diseases. Last evaluated: 2025-01-20. Review status: criteria provided, single submitter. Criteria: Ambry Variant Classification Scheme 2023. Collection method: clinical testing. Allele origin: germline.

NM_006031.6(PCNT):c.3551G>A (p.Gly1184Glu)

Gene: PCNT (pericentrin; plus strand). Cytogenetic location: 21q22.3.
Variant type: single nucleotide variant.
Coding change: c.3551G>A on transcript NM_006031.6 (MANE Select); coding-DNA position 3551, G replaced by A.
Protein change: p.Gly1184Glu; replaces glycine 1184 with glutamic acid.
Molecular consequence: missense variant.
Genome position (GRCh38, 1-based): chr21:46,388,828, G>A. VCF-style: chr21-46388828-G-A. GRCh37 (hg19) VCF-style: chr21-47808743-G-A.
Other names: c.3197G>A, p.Gly1066Glu (NM_001315529.2); short protein forms G1184E, G1066E.
Identifiers: ClinVar variation 3886980 (VCV003886980.2).